The following is an entry in ClinVar:

NM_004268.5(MED17):c.418-2del

Gene: MED17 (mediator complex subunit 17; plus strand). Cytogenetic location: 11q21.
Variant type: Deletion.
Coding change: c.418-2del on transcript NM_004268.5 (MANE Select); the canonical splice acceptor site of the intron before coding-DNA position 418, one base deleted (A; older notation c.418-2delA).
Molecular consequence: splice acceptor variant.
Genome position (GRCh38, 1-based): chr11:93,790,572, A deleted. VCF-style (leftmost placement, unchanged base first): chr11-93790571-CA-C. GRCh37 (hg19) VCF-style: chr11-93523737-CA-C.
Identifiers: ClinVar variation 2838705 (VCV002838705.3), dbSNP rs2497522036, ClinGen allele CA2739270736.

ClinVar aggregate classification (germline): Likely pathogenic (1 of 4 stars; one submission).

Submission:

Labcorp Genetics (formerly Invitae), Labcorp
Classification: Likely pathogenic. Last evaluated: 2023-02-18. Review status: criteria provided, single submitter. Criteria: Invitae Variant Classification Sherloc (09022015). Collection method: clinical testing. Allele origin: germline.
Comment: In summary, the currently available evidence indicates that the variant is pathogenic, but additional data are needed to prove that conclusively. Therefore, this variant has been classified as Likely Pathogenic. Algorithms developed to predict the effect of sequence changes on RNA splicing suggest that this variant may disrupt the consensus splice site. This variant has not been reported in the literature in individuals affected with MED17-related conditions. This variant is not present in population databases (gnomAD no frequency). This sequence change affects a splice site in intron 2 of the MED17 gene. It is expected to disrupt RNA splicing. Variants that disrupt the donor or acceptor splice site typically lead to a loss of protein function (PMID: 16199547), and loss-of-function variants in MED17 are known to be pathogenic (PMID: 20950787, 26004231, 30345598).

Literature cited by the submitters: PubMed 16199547; PubMed 20950787; PubMed 26004231; PubMed 30345598.